The following is an entry in ClinVar:

ClinVar aggregate classification (germline): Uncertain significance (1 of 4 stars; one submission).

Conditions:
Familial hemiplegic migraine. Identifiers: MedGen C0338484, MONDO:0000700.

Submission:

Labcorp Genetics (formerly Invitae), Labcorp
Classification: Uncertain significance for Familial hemiplegic migraine. Last evaluated: 2019-03-18. Review status: criteria provided, single submitter. Criteria: Invitae Variant Classification Sherloc (09022015). Collection method: clinical testing. Allele origin: germline.
Comment: This sequence change replaces methionine with threonine at codon 265 of the ATP1A2 protein (p.Met265Thr). The methionine residue is highly conserved and there is a moderate physicochemical difference between methionine and threonine. This variant is not present in population databases (ExAC no frequency). This variant has not been reported in the literature in individuals with ATP1A2-related conditions. Algorithms developed to predict the effect of missense changes on protein structure and function (SIFT, PolyPhen-2, Align-GVGD) all suggest that this variant is likely to be disruptive, but these predictions have not been confirmed by published functional studies and their clinical significance is uncertain. In summary, the available evidence is currently insufficient to determine the role of this variant in disease. Therefore, it has been classified as a Variant of Uncertain Significance.

NM_000702.4(ATP1A2):c.794T>C (p.Met265Thr)

Gene: ATP1A2 (ATPase Na+/K+ transporting subunit alpha 2; plus strand). Cytogenetic location: 1q23.2.
Variant type: single nucleotide variant.
Coding change: c.794T>C on transcript NM_000702.4 (MANE Select); coding-DNA position 794, T replaced by C.
Protein change: p.Met265Thr; replaces methionine 265 with threonine.
Molecular consequence: missense variant.
Genome position (GRCh38, 1-based): chr1:160,127,597, T>C. VCF-style: chr1-160127597-T-C. GRCh37 (hg19) VCF-style: chr1-160097387-T-C.
Other names: short protein forms M265T.
Identifiers: ClinVar variation 849017 (VCV000849017.1), dbSNP rs1651625639, ClinGen allele CA343237241.
Genomic context (GRCh38, chr1:160,127,597, plus strand): 5'-CCCACCATGTTGCAGGCACTGCCAGGGGCATTGTGATTGCCACAGGAGACCGGACGGTGA[T>C]GGGCCGCATAGCTACTCTCGCCTCAGGCCTGGAGGTTGGGCGGACACCCATAGCAATGGA-3'
Protein context (NP_000693.1, residues 255-275): IVIATGDRTV[Met265Thr]GRIATLASGL